The following is an entry in ClinVar:

NM_000238.4(KCNH2):c.2399-15C>T

Gene: KCNH2 (potassium voltage-gated channel subfamily H member 2; minus strand). Cytogenetic location: 7q36.1.
Variant type: single nucleotide variant.
Coding change: c.2399-15C>T on transcript NM_000238.4 (MANE Select); 15 bases into the intron before coding-DNA position 2399, C replaced by T.
Molecular consequence: intron variant.
Genome position (GRCh38, 1-based): chr7:150,949,064, G>A on the plus strand (C>T on the coding strand, the complement: KCNH2 is on the minus strand). VCF-style: chr7-150949064-G-A. GRCh37 (hg19) VCF-style: chr7-150646152-G-A.
Other names: c.1379-15C>T (NM_172057.3).
Identifiers: ClinVar variation 2047542 (VCV002047542.6), dbSNP rs1246466836, ClinGen allele CA835224229.

ClinVar aggregate classification (germline): Likely benign. Review status: criteria provided, multiple submitters, no conflicts (2 of 4 stars). 3 submissions from 3 submitters: Likely benign (3). Last evaluated 2025-09-21.

Conditions:
Long QT syndrome (LQTS). Identifiers: MedGen C0023976, MeSH D008133, MONDO:0002442. Disease mechanism: loss of function. Inheritance: Various modes of inheritance.
Cardiac arrhythmia. Also called: Cardiac rhythm disease; Arrhythmia. Identifiers: MedGen C0003811, MONDO:0007263, HP:0011675.

Allele frequency attached by ClinVar (database versions not stated): TOPMed 0.00001; gnomAD 0.00001.
gnomAD v4.1: 8 of 1,611,862 alleles (0.0005%); highest among the groups gnomAD compares: Non-Finnish European, 0.00059%; no homozygotes.

Submissions (3):

Labcorp Genetics (formerly Invitae), Labcorp
Classification: Likely benign for Long QT syndrome. Last evaluated: 2025-09-21. Review status: criteria provided, single submitter. Criteria: Invitae Variant Classification Sherloc (09022015). Collection method: clinical testing. Allele origin: germline.

All of Us Research Program, National Institutes of Health
Classification: Likely benign for Long QT syndrome. Last evaluated: 2023-12-01. Review status: criteria provided, single submitter. Criteria: ACMG Guidelines, 2015. Collection method: clinical testing. Allele origin: germline. Inheritance: Autosomal dominant inheritance. Observed: 2 variant alleles, 2 heterozygotes.
Comment: This study involves interpretation of variants in research participants for the purpose of population health screening. Participant phenotype was not available at the time of variant classification. Additional details can be found in publication PMID: 35346344, PMCID: PMC8962531

Color Diagnostics, LLC DBA Color Health
Classification: Likely benign for Cardiac arrhythmia. Last evaluated: 2023-08-17. Review status: criteria provided, single submitter. Criteria: ACMG Guidelines, 2015. Collection method: clinical testing. Allele origin: germline.